The following is an entry in ClinVar:

NM_002875.5(RAD51):c.10C>A (p.Gln4Lys)

Gene: RAD51 (RAD51 recombinase; plus strand). Cytogenetic location: 15q15.1.
Variant type: single nucleotide variant.
Coding change: c.10C>A on transcript NM_002875.5 (MANE Select); coding-DNA position 10, C replaced by A.
Protein change: p.Gln4Lys; replaces glutamine 4 with lysine.
Molecular consequence: missense variant.
Genome position (GRCh38, 1-based): chr15:40,698,768, C>A. VCF-style: chr15-40698768-C-A. GRCh37 (hg19) VCF-style: chr15-40990966-C-A.
Other names: c.10C>A, p.Gln4Lys (NM_001164269.2, NM_001164270.2, NM_133487.4); short protein forms Q4K.
Identifiers: ClinVar variation 2462660 (VCV002462660.2), dbSNP rs2141813815, ClinGen allele CA391744020.

ClinVar aggregate classification (germline): Uncertain significance (1 of 4 stars; one submission).

Conditions:
Inborn genetic diseases. Identifiers: MedGen C0950123, MeSH D030342.

Submission:

Ambry Genetics
Classification: Uncertain significance for Inborn genetic diseases. Last evaluated: 2023-03-11. Review status: criteria provided, single submitter. Criteria: Ambry Variant Classification Scheme 2023. Collection method: clinical testing. Allele origin: germline.
Comment: The p.Q4K variant (also known as c.10C>A), located in coding exon 1 of the RAD51 gene, results from a C to A substitution at nucleotide position 10. The glutamine at codon 4 is replaced by lysine, an amino acid with similar properties. This amino acid position is conserved. In addition, this alteration is predicted to be tolerated by in silico analysis. Since supporting evidence is limited at this time, the clinical significance of this alteration remains unclear.